The following is an entry in ClinVar:

NM_001191057.4(PDE1C):c.1979G>A (p.Arg660His)

Gene: PDE1C (phosphodiesterase 1C; minus strand). Cytogenetic location: 7p14.3.
Variant type: single nucleotide variant.
Coding change: c.1979G>A on transcript NM_001191057.4 (MANE Select); coding-DNA position 1979, G replaced by A.
Protein change: p.Arg660His; replaces arginine 660 with histidine.
Molecular consequence: missense variant.
Genome position (GRCh38, 1-based): chr7:31,753,535, C>T on the plus strand (G>A on the coding strand, the complement: PDE1C is on the minus strand). VCF-style: chr7-31753535-C-T. GRCh37 (hg19) VCF-style: chr7-31793149-C-T.
Other names: c.2159G>A, p.Arg720His (NM_001191058.4); c.1979G>A, p.Arg660His (NM_001191059.4, NM_001322055.2); short protein forms R660H, R720H.
Identifiers: ClinVar variation 709900 (VCV000709900.34), dbSNP rs148606596, ClinGen allele CA4210638.

ClinVar aggregate classification (germline): Benign. Review status: criteria provided, multiple submitters, no conflicts (2 of 4 stars). 2 submissions from 2 submitters: Benign (2). Last evaluated 2022-07-01.

Allele frequency attached by ClinVar (database versions not stated): 1000 Genomes Project 30x 0.00250; 1000 Genomes Project 0.00280; TOPMed 0.00337; ESP Exome Variant Server 0.00401; gnomAD 0.00563 and 0.00571; ExAC 0.00573; gnomAD exomes 0.00590.
gnomAD v4.1: 9,949 of 1,610,002 alleles (0.62%); highest among the groups gnomAD compares: Non-Finnish European, 0.65%; 35 homozygotes.

Submissions (2):

CeGaT Center for Human Genetics Tuebingen
Classification: Benign. Last evaluated: 2022-07-01. Review status: criteria provided, single submitter. Criteria: CeGaT Center For Human Genetics Tuebingen Variant Classification Criteria Version 2. Collection method: clinical testing. Allele origin: germline. Affected: yes. Observed: 1 variant allele.
Comment: PDE1C: BP4, BS1, BS2

Labcorp Genetics (formerly Invitae), Labcorp
Classification: Benign. Last evaluated: 2019-12-31. Review status: criteria provided, single submitter. Criteria: Invitae Variant Classification Sherloc (09022015). Collection method: clinical testing. Allele origin: germline.